The following is an entry in ClinVar:

NM_021020.5(LZTS1):c.1591G>A (p.Val531Met)

Gene: LZTS1 (leucine zipper tumor suppressor 1; minus strand). Cytogenetic location: 8p21.3.
Variant type: single nucleotide variant.
Coding change: c.1591G>A on transcript NM_021020.5 (MANE Select); coding-DNA position 1591, G replaced by A.
Protein change: p.Val531Met; replaces valine 531 with methionine.
Molecular consequence: missense variant.
Genome position (GRCh38, 1-based): chr8:20,249,922, C>T on the plus strand (G>A on the coding strand, the complement: LZTS1 is on the minus strand). VCF-style: chr8-20249922-C-T. GRCh37 (hg19) VCF-style: chr8-20107433-C-T.
Other names: c.1591G>A, p.Val531Met (NM_001362884.2); c.1591G>A (NM_021020.3); short protein forms V531M.
Identifiers: ClinVar variation 1668605 (VCV001668605.10), dbSNP rs139782965, ClinGen allele CA4657229.

ClinVar aggregate classification (germline): Likely benign. Review status: criteria provided, single submitter (1 of 4 stars). 2 submissions from 2 submitters: Likely benign (1). 1 of the submissions does not count toward it. Last evaluated 2026-02-02.

Conditions:
LZTS1-related disorder. Also called: LZTS1-related condition.

Allele frequency attached by ClinVar (database versions not stated): 1000 Genomes Project 30x 0.00062; 1000 Genomes Project 0.00080; TOPMed 0.00121; ExAC 0.00129; gnomAD 0.00129 and 0.00133; ESP Exome Variant Server 0.00146.
gnomAD v4.1: 3,543 of 1,614,092 alleles (0.22%); highest among the groups gnomAD compares: Non-Finnish European, 0.29%; 7 homozygotes.

Submissions (2):

Labcorp Genetics (formerly Invitae), Labcorp
Classification: Likely benign. Last evaluated: 2026-02-02. Review status: criteria provided, single submitter. Criteria: Invitae Variant Classification Sherloc (09022015). Collection method: clinical testing. Allele origin: germline.

PreventionGenetics, part of Exact Sciences
Classification: Likely benign for LZTS1-related condition. Last evaluated: 2020-11-14. Review status: no assertion criteria provided. Collection method: clinical testing. Allele origin: germline. Not counted in ClinVar's aggregate classification.
Comment: This variant is classified as likely benign based on ACMG/AMP sequence variant interpretation guidelines (Richards et al. 2015 PMID: 25741868, with internal and published modifications).